The following is an entry in ClinVar:

ClinVar aggregate classification (germline): Benign/Likely benign. Review status: criteria provided, multiple submitters, no conflicts (2 of 4 stars). 4 submissions from 4 submitters: Benign (1); Likely benign (3). Last evaluated 2024-10-02.

Conditions:
Cone-rod dystrophy 15 (CORD15). Identifiers: MedGen C3150912, MONDO:0013348, OMIM 613660.

Allele frequency attached by ClinVar (database versions not stated): gnomAD exomes 0.00059 and 0.00091; ExAC 0.00085; 1000 Genomes Project 30x 0.00671; TOPMed 0.00672; gnomAD 0.00682 and 0.00624; 1000 Genomes Project 0.00599.
gnomAD v4.1: 1,787 of 1,519,356 alleles (0.12%); highest among the groups gnomAD compares: African/African-American, 2.3%; 23 homozygotes.

Submissions (4):

Blueprint Genetics
Classification: Likely benign. Last evaluated: 2024-10-02. Review status: criteria provided, single submitter. Criteria: ACMG Guidelines, 2015. Collection method: clinical testing. Allele origin: germline.

Illumina Laboratory Services, Illumina
Classification: Likely benign for Cone-rod dystrophy 15. Last evaluated: 2018-01-13. Review status: criteria provided, single submitter. Criteria: ICSL Variant Classification Criteria 13 December 2019. Collection method: clinical testing. Allele origin: germline.
Comment: This variant was observed in the ICSL laboratory as part of a predisposition screen in an ostensibly healthy population. It had not been previously curated by ICSL or reported in the Human Gene Mutation Database (HGMD: prior to June 1st, 2018), and was therefore a candidate for classification through an automated scoring system. Utilizing variant allele frequency, disease prevalence and penetrance estimates, and inheritance mode, an automated score was calculated to assess if this variant is too frequent to cause the disease. Based on the score and internal cut-off values, a variant classified as likely benign is not then subjected to further curation. The score for this variant resulted in a classification of likely benign for this disease.

Eurofins Ntd Llc (ga)
Classification: Benign. Last evaluated: 2015-03-05. Review status: criteria provided, single submitter. Criteria: EGL Classification Definitions 2015. Collection method: clinical testing. Allele origin: germline. Observed: 1 variant allele, 1 heterozygote.

Breakthrough Genomics
Classification: Likely benign. Review status: criteria provided, single submitter. Criteria: ACMG Guidelines, 2015. Collection method: not provided. Allele origin: germline. Inheritance: Autosomal recessive inheritance. Affected: yes.

NM_033100.4(CDHR1):c.-1C>T

Gene: CDHR1 (cadherin related family member 1; plus strand). Cytogenetic location: 10q23.1.
Variant type: single nucleotide variant.
Coding change: c.-1C>T on transcript NM_033100.4 (MANE Select); 1 bases upstream of the start codon, C replaced by T.
Molecular consequence: 5 prime UTR variant.
Genome position (GRCh38, 1-based): chr10:84,194,760, C>T. VCF-style: chr10-84194760-C-T. GRCh37 (hg19) VCF-style: chr10-85954516-C-T.
Other names: c.-1C>T (NM_001171971.3).
Identifiers: ClinVar variation 193475 (VCV000193475.11), dbSNP rs114273269, ClinGen allele CA200608.